The following is an entry in ClinVar:

NM_144773.4(PROKR2):c.1069C>T (p.Arg357Trp)

Gene: PROKR2 (prokineticin receptor 2; minus strand). Cytogenetic location: 20p12.3.
Variant type: single nucleotide variant.
Coding change: c.1069C>T on transcript NM_144773.4 (MANE Select); coding-DNA position 1069, C replaced by T.
Protein change: p.Arg357Trp; replaces arginine 357 with tryptophan.
Molecular consequence: missense variant.
Genome position (GRCh38, 1-based): chr20:5,302,126, G>A on the plus strand (C>T on the coding strand, the complement: PROKR2 is on the minus strand). VCF-style: chr20-5302126-G-A. GRCh37 (hg19) VCF-style: chr20-5282772-G-A.
Other names: short protein forms R357W.
Identifiers: ClinVar variation 2886691 (VCV002886691.6), dbSNP rs375036628, ClinGen allele CA9754208.

ClinVar aggregate classification (germline): Uncertain significance. Review status: criteria provided, multiple submitters, no conflicts (2 of 4 stars). 3 submissions from 3 submitters: Uncertain significance (2). 1 of the submissions does not count toward it. Last evaluated 2024-09-23.

Conditions:
PROKR2-related disorder. Also called: PROKR2-related condition.

Allele frequency attached by ClinVar (database versions not stated): ESP Exome Variant Server 0.00008; TOPMed 0.00009; gnomAD 0.00010; ExAC 0.00012.
gnomAD v4.1: 93 of 1,614,202 alleles (0.0058%); highest among the groups gnomAD compares: East Asian, 0.018%; no homozygotes.

Submissions (3):

Blueprint Genetics
Classification: Uncertain significance. Last evaluated: 2024-09-23. Review status: criteria provided, single submitter. Criteria: ACMG Guidelines, 2015. Collection method: clinical testing. Allele origin: germline.

Labcorp Genetics (formerly Invitae), Labcorp
Classification: Uncertain significance. Last evaluated: 2023-04-06. Review status: criteria provided, single submitter. Criteria: Invitae Variant Classification Sherloc (09022015). Collection method: clinical testing. Allele origin: germline.
Comment: This missense change has been observed in individual(s) with Kallman syndrome (PMID: 18559922). Advanced modeling of protein sequence and biophysical properties (such as structural, functional, and spatial information, amino acid conservation, physicochemical variation, residue mobility, and thermodynamic stability) performed at Invitae indicates that this missense variant is not expected to disrupt PROKR2 protein function. Experimental studies are conflicting or provide insufficient evidence to determine the effect of this variant on PROKR2 function (PMID: 18559922, 24830383, 29161432). In summary, the available evidence is currently insufficient to determine the role of this variant in disease. Therefore, it has been classified as a Variant of Uncertain Significance. This variant is present in population databases (rs375036628, gnomAD 0.02%). This sequence change replaces arginine, which is basic and polar, with tryptophan, which is neutral and slightly polar, at codon 357 of the PROKR2 protein (p.Arg357Trp).

PreventionGenetics, part of Exact Sciences
Classification: Likely benign for PROKR2-related condition. Last evaluated: 2023-11-14. Review status: no assertion criteria provided. Collection method: clinical testing. Allele origin: germline. Not counted in ClinVar's aggregate classification.
Comment: This variant is classified as likely benign based on ACMG/AMP sequence variant interpretation guidelines (Richards et al. 2015 PMID: 25741868, with internal and published modifications).

Literature cited by the submitters: PubMed 18559922 (cited by Labcorp Genetics (formerly Invitae), Labcorp); PubMed 24830383 (cited by Labcorp Genetics (formerly Invitae), Labcorp); PubMed 29161432 (cited by Labcorp Genetics (formerly Invitae), Labcorp).